The following is an entry in ClinVar:

ClinVar aggregate classification (germline): Uncertain significance. Review status: criteria provided, multiple submitters, no conflicts (2 of 4 stars). 3 submissions from 3 submitters: Uncertain significance (3). Last evaluated 2024-06-22.

Conditions:
Inborn genetic diseases. Identifiers: MedGen C0950123, MeSH D030342.
RYR1-related disorder. Also called: RYR1-related condition; RYR1-related disorders. Identifiers: MedGen CN239331.
Malignant hyperthermia, susceptibility to, 1 (MHS1). Also called: Malignant hyperthermia suceptibility 1; Anesthesia related hyperthermia; Malignant hyperpyrexia; Fulminating hyperpyrexia; Pharmacogenic myopathy; RYR1-Related Malignant Hyperthermia Susceptibility. Identifiers: Orphanet 423, MedGen C2930980, MONDO:0007783, OMIM 145600.

Allele frequency attached by ClinVar (database versions not stated): gnomAD exomes below 0.00001; gnomAD 0.00001.
gnomAD v4.1: 4 of 1,613,986 alleles (0.00025%); highest among the groups gnomAD compares: Admixed American, 0.005%; no homozygotes.

Submissions (3):

Ambry Genetics
Classification: Uncertain significance for Inborn genetic diseases. Last evaluated: 2024-06-22. Review status: criteria provided, single submitter. Criteria: Ambry Variant Classification Scheme 2023. Collection method: clinical testing. Allele origin: germline.

All of Us Research Program, National Institutes of Health
Classification: Uncertain significance for Malignant hyperthermia, susceptibility to, 1. Last evaluated: 2023-11-30. Review status: criteria provided, single submitter. Criteria: ACMG Guidelines, 2015. Collection method: clinical testing. Allele origin: germline. Inheritance: Autosomal dominant inheritance. Observed: 2 variant alleles, 2 heterozygotes.
Comment: This missense variant replaces aspartic acid with asparagine at codon 3252 of the RYR1 protein. Computational prediction suggests that this variant may not impact protein structure and function (internally defined REVEL score threshold <= 0.5, PMID: 27666373). To our knowledge, functional studies have not been reported for this variant. This variant has not been reported in individuals affected with RYR1-related disorders in the literature. This variant has not been identified in the general population by the Genome Aggregation Database (gnomAD). The available evidence is insufficient to determine the role of this variant in disease conclusively. Therefore, this variant is classified as a Variant of Uncertain Significance.

This study involves interpretation of variants in research participants for the purpose of population health screening. Participant phenotype was not available at the time of variant classification. Additional details can be found in publication PMID: 35346344, PMCID: PMC8962531

Labcorp Genetics (formerly Invitae), Labcorp
Classification: Uncertain significance for RYR1-related disorder. Last evaluated: 2022-07-26. Review status: criteria provided, single submitter. Criteria: Invitae Variant Classification Sherloc (09022015). Collection method: clinical testing. Allele origin: germline.
Comment: This sequence change replaces aspartic acid, which is acidic and polar, with asparagine, which is neutral and polar, at codon 3252 of the RYR1 protein (p.Asp3252Asn). This variant is not present in population databases (gnomAD no frequency). This variant has not been reported in the literature in individuals affected with RYR1-related conditions. Advanced modeling of protein sequence and biophysical properties (such as structural, functional, and spatial information, amino acid conservation, physicochemical variation, residue mobility, and thermodynamic stability) performed at Invitae indicates that this missense variant is not expected to disrupt RYR1 protein function. In summary, the available evidence is currently insufficient to determine the role of this variant in disease. Therefore, it has been classified as a Variant of Uncertain Significance.

NM_000540.3(RYR1):c.9754G>A (p.Asp3252Asn)

Gene: RYR1 (ryanodine receptor 1; plus strand). Cytogenetic location: 19q13.2.
Variant type: single nucleotide variant.
Coding change: c.9754G>A on transcript NM_000540.3 (MANE Select); coding-DNA position 9754, G replaced by A.
Protein change: p.Asp3252Asn; replaces aspartic acid 3252 with asparagine.
Molecular consequence: missense variant.
Genome position (GRCh38, 1-based): chr19:38,517,427, G>A. VCF-style: chr19-38517427-G-A. GRCh37 (hg19) VCF-style: chr19-39008067-G-A.
Other names: c.9754G>A, p.Asp3252Asn (NM_001042723.2); short protein forms D3252N.
Identifiers: ClinVar variation 1962225 (VCV001962225.4), dbSNP rs1971021027, ClinGen allele CA405691833.